The following is an entry in ClinVar:

NM_022356.4(P3H1):c.1246C>T (p.Arg416Cys)

Gene: P3H1 (prolyl 3-hydroxylase 1; minus strand). Cytogenetic location: 1p34.2.
Variant type: single nucleotide variant.
Coding change: c.1246C>T on transcript NM_022356.4 (MANE Select); coding-DNA position 1246, C replaced by T.
Protein change: p.Arg416Cys; replaces arginine 416 with cysteine.
Molecular consequence: missense variant.
Genome position (GRCh38, 1-based): chr1:42,754,968, G>A on the plus strand (C>T on the coding strand, the complement: P3H1 is on the minus strand). VCF-style: chr1-42754968-G-A. GRCh37 (hg19) VCF-style: chr1-43220639-G-A.
Other names: c.1246C>T, p.Arg416Cys (NM_001146289.2, NM_001243246.2); short protein forms R416C.
Identifiers: ClinVar variation 468964 (VCV000468964.7), dbSNP rs199597388, ClinGen allele CA21243751.
Genomic context (GRCh38, chr1:42,754,968, plus strand): 5'-TCTTCTCTTCCACAAGGGTCTCGATTTCCTTCATAAGGTTCCCAATCTCCTGGGAGATGC[G>A]TACGGCTGTTTCCCGTTCTGACCTATGAGCACAGCCGCTCTGAGGACTGCATTCCAGGGC-3'
Protein context (NP_071751.3, residues 406-426): KQKSERETAV[Arg416Cys]ISQEIGNLMK

ClinVar aggregate classification (germline): Uncertain significance. Review status: criteria provided, multiple submitters, no conflicts (2 of 4 stars). 2 submissions from 2 submitters: Uncertain significance (2). Last evaluated 2025-08-04.

Conditions:
Inborn genetic diseases. Identifiers: MedGen C0950123, MeSH D030342.
Osteogenesis imperfecta type 8 (OI8). Identifiers: MedGen C1970458, MONDO:0012581, OMIM 610915.

Allele frequency attached by ClinVar (database versions not stated): gnomAD exomes below 0.00001 and 0.00001; gnomAD 0.00001; TOPMed 0.00002; ESP Exome Variant Server 0.00008.
gnomAD v4.1: 16 of 1,614,028 alleles (0.00099%); highest among the groups gnomAD compares: East Asian, 0.0022%; no homozygotes.

Submissions (2):

Ambry Genetics
Classification: Uncertain significance for Inborn genetic diseases. Last evaluated: 2025-08-04. Review status: criteria provided, single submitter. Criteria: Ambry Variant Classification Scheme 2023. Collection method: clinical testing. Allele origin: germline.

Labcorp Genetics (formerly Invitae), Labcorp
Classification: Uncertain significance for Osteogenesis imperfecta type 8. Last evaluated: 2022-08-21. Review status: criteria provided, single submitter. Criteria: Invitae Variant Classification Sherloc (09022015). Collection method: clinical testing. Allele origin: germline.
Comment: This sequence change replaces arginine, which is basic and polar, with cysteine, which is neutral and slightly polar, at codon 416 of the P3H1 protein (p.Arg416Cys). This variant is present in population databases (rs199597388, gnomAD 0.01%). This variant has not been reported in the literature in individuals affected with P3H1-related conditions. ClinVar contains an entry for this variant (Variation ID: 468964). Algorithms developed to predict the effect of missense changes on protein structure and function are either unavailable or do not agree on the potential impact of this missense change (SIFT: "Deleterious"; PolyPhen-2: "Probably Damaging"; Align-GVGD: "Class C0"). In summary, the available evidence is currently insufficient to determine the role of this variant in disease. Therefore, it has been classified as a Variant of Uncertain Significance.